The following is an entry in ClinVar:

NM_012123.4(MTO1):c.1822C>T (p.Leu608Phe)

Gene: MTO1 (mitochondrial tRNA translation optimization 1; plus strand). Cytogenetic location: 6q13.
Variant type: single nucleotide variant.
Coding change: c.1822C>T on transcript NM_012123.4 (MANE Select); coding-DNA position 1822, C replaced by T.
Protein change: p.Leu608Phe; replaces leucine 608 with phenylalanine.
Molecular consequence: missense variant.
Genome position (GRCh38, 1-based): chr6:73,497,801, C>T. VCF-style: chr6-73497801-C-T. GRCh37 (hg19) VCF-style: chr6-74207524-C-T.
Other names: p.Leu608Phe; c.1942C>T, p.Leu648Phe (NM_001123226.2); c.1897C>T, p.Leu633Phe (NM_133645.3); short protein forms L608F, L633F, L648F.
Identifiers: ClinVar variation 3379697 (VCV003379697.1).

ClinVar aggregate classification (germline): Uncertain significance (1 of 4 stars; one submission).

gnomAD v4.1: 3 of 1,613,898 alleles (0.00019%); highest among the groups gnomAD compares: African/African-American, 0.0027%; no homozygotes.

Submission:

Mayo Clinic Laboratories, Mayo Clinic
Classification: Uncertain significance. Last evaluated: 2024-04-03. Review status: criteria provided, single submitter. Criteria: ACMG Guidelines, 2015. Collection method: clinical testing. Allele origin: germline. Observed: 1 variant allele.
Comment: BP4, PM2